The following is an entry in ClinVar:

ClinVar aggregate classification (germline): Uncertain significance. Review status: criteria provided, multiple submitters, no conflicts (2 of 4 stars). 2 submissions from 2 submitters: Uncertain significance (2). Last evaluated 2025-09-20.

Conditions:
Hereditary cancer-predisposing syndrome. Also called: Tumor predisposition; Neoplastic Syndromes, Hereditary; Hereditary Cancer Syndrome; Hereditary neoplastic syndrome. Identifiers: Orphanet 140162, MedGen C0027672, MeSH D009386, MONDO:0015356.
Multiple endocrine neoplasia, type 2 (MEN2). Identifiers: Orphanet 653, MedGen C4048306, MONDO:0019003. Disease mechanism: gain of function.

Allele frequency attached by ClinVar (database versions not stated): ExAC 0.00001.

Submissions (3):

Labcorp Genetics (formerly Invitae), Labcorp
Classification: Uncertain significance for Multiple endocrine neoplasia, type 2. Last evaluated: 2025-09-20. Review status: criteria provided, single submitter. Criteria: Invitae Variant Classification Sherloc (09022015). Collection method: clinical testing. Allele origin: germline.
Comment: This sequence change replaces serine, which is neutral and polar, with cysteine, which is neutral and slightly polar, at codon 1024 of the RET protein (p.Ser1024Cys). This variant is present in population databases (rs752534928, gnomAD 0.0009%). This variant has not been reported in the literature in individuals affected with RET-related conditions. ClinVar contains an entry for this variant (Variation ID: 1903164). An algorithm developed to predict the effect of missense changes on protein structure and function (PolyPhen-2) suggests that this variant is likely to be disruptive. In summary, the available evidence is currently insufficient to determine the role of this variant in disease. Therefore, it has been classified as a Variant of Uncertain Significance.

Ambry Genetics
Classification: Uncertain significance for Hereditary cancer-predisposing syndrome. Last evaluated: 2024-05-23. Review status: criteria provided, single submitter. Criteria: Ambry Variant Classification Scheme 2023. Collection method: clinical testing. Allele origin: germline.
Comment: The p.S1024C variant (also known as c.3071C>G), located in coding exon 19 of the RET gene, results from a C to G substitution at nucleotide position 3071. The serine at codon 1024 is replaced by cysteine, an amino acid with dissimilar properties. This amino acid position is not well conserved in available vertebrate species. In addition, this alteration is predicted to be tolerated by in silico analysis. Based on the available evidence, the clinical significance of this variant remains unclear.

Dr. Peter K. Rogan Lab, Western University
No classification provided (evidence only). Condition: Familial cancer of breast. Review status: no classification provided. Collection method: in vitro. Allele origin: not applicable. Functional consequence: retained intron. Not counted in ClinVar's aggregate classification.

NM_020975.6(RET):c.3071C>G (p.Ser1024Cys)

Gene: RET (ret proto-oncogene; plus strand). Cytogenetic location: 10q11.21.
Variant type: single nucleotide variant.
Coding change: c.3071C>G on transcript NM_020975.6 (MANE Select); coding-DNA position 3071, C replaced by G.
Protein change: p.Ser1024Cys; replaces serine 1024 with cysteine.
Molecular consequence: missense variant.
Genome position (GRCh38, 1-based): chr10:43,126,606, C>G. VCF-style: chr10-43126606-C-G. GRCh37 (hg19) VCF-style: chr10-43622054-C-G.
Other names: c.3071C>G, p.Ser1024Cys (NM_000323.2, NM_001406743.1, NM_001406744.1 and 4 more transcripts); c.2309C>G, p.Ser770Cys (NM_001355216.2); c.2942C>G, p.Ser981Cys (NM_001406761.1, NM_001406762.1, NM_001406764.1); c.2936C>G, p.Ser979Cys (NM_001406763.1, NM_001406765.1); c.2783C>G, p.Ser928Cys (NM_001406766.1, NM_001406767.1, NM_001406770.1); c.2807C>G, p.Ser936Cys (NM_001406768.1); c.2675C>G, p.Ser892Cys (NM_001406769.1, NM_001406772.1); c.2633C>G, p.Ser878Cys (NM_001406771.1, NM_001406773.1); and 10 more; short protein forms S589C, S685C, S936C, S979C, S1024C, S629C, S680C, S770C.
Identifiers: ClinVar variation 1903164 (VCV001903164.7), dbSNP rs752534928, ClinGen allele CA042485.